The following is an entry in ClinVar:

NM_014159.7(SETD2):c.3801T>G (p.Pro1267=)

Gene: SETD2 (SET domain containing 2, histone lysine methyltransferase; minus strand). Cytogenetic location: 3p21.31.
Variant type: single nucleotide variant.
Coding change: c.3801T>G on transcript NM_014159.7 (MANE Select); coding-DNA position 3801, T replaced by G.
Protein change: p.Pro1267=; no amino-acid change (proline 1267 retained).
Molecular consequence: synonymous variant. On other transcripts: non-coding transcript variant (1).
Genome position (GRCh38, 1-based): chr3:47,120,835, A>C on the plus strand (T>G on the coding strand, the complement: SETD2 is on the minus strand). VCF-style: chr3-47120835-A-C. GRCh37 (hg19) VCF-style: chr3-47162325-A-C.
Other names: c.3669T>G, p.Pro1223= (NM_001349370.3).
Identifiers: ClinVar variation 4085967 (VCV004085967.8).

ClinVar aggregate classification (germline): Likely benign (1 of 4 stars; one submission).

Submission:

CeGaT Center for Human Genetics Tuebingen
Classification: Likely benign. Last evaluated: 2025-08-01. Review status: criteria provided, single submitter. Criteria: CeGaT Center For Human Genetics Tuebingen Variant Classification Criteria Version 2. Collection method: clinical testing. Allele origin: germline. Affected: yes. Observed: 1 variant allele.
Comment: SETD2: PM2:Supporting, BP4, BP7